The following is an entry in ClinVar:

ClinVar aggregate classification (germline): Uncertain significance (1 of 4 stars; one submission).

Conditions:
Inborn genetic diseases. Identifiers: MedGen C0950123, MeSH D030342.

Submission:

Ambry Genetics
Classification: Uncertain significance for Inborn genetic diseases. Last evaluated: 2026-03-08. Review status: criteria provided, single submitter. Criteria: Ambry Variant Classification Scheme 2023. Collection method: clinical testing. Allele origin: germline.
Comment: The p.S370A variant (also known as c.1108T>G), located in coding exon 12 of the ASXL1 gene, results from a T to G substitution at nucleotide position 1108. The serine at codon 370 is replaced by alanine, an amino acid with similar properties. This amino acid position is conserved. In addition, this alteration is predicted to be tolerated by in silico analysis. Based on the available evidence, the clinical significance of this variant remains unclear.

NM_015338.6(ASXL1):c.1108T>G (p.Ser370Ala)

Gene: ASXL1 (ASXL transcriptional regulator 1; plus strand). Cytogenetic location: 20q11.21.
Variant type: single nucleotide variant.
Coding change: c.1108T>G on transcript NM_015338.6 (MANE Select); coding-DNA position 1108, T replaced by G.
Protein change: p.Ser370Ala; replaces serine 370 with alanine.
Molecular consequence: missense variant.
Genome position (GRCh38, 1-based): chr20:32,433,306, T>G. VCF-style: chr20-32433306-T-G. GRCh37 (hg19) VCF-style: chr20-31021109-T-G.
Other names: c.925T>G, p.Ser309Ala (NM_001363734.1); short protein forms S370A, S309A.
Identifiers: ClinVar variation 4827421 (VCV004827421.1).